The following is an entry in ClinVar:

NM_001854.4(COL11A1):c.2215G>A (p.Gly739Ser)

Gene: COL11A1 (collagen type XI alpha 1 chain; minus strand). Cytogenetic location: 1p21.1.
Variant type: single nucleotide variant.
Coding change: c.2215G>A on transcript NM_001854.4 (MANE Select); coding-DNA position 2215, G replaced by A.
Protein change: p.Gly739Ser; replaces glycine 739 with serine.
Molecular consequence: missense variant. On other transcripts: non-coding transcript variant (1).
Genome position (GRCh38, 1-based): chr1:102,997,106, C>T on the plus strand (G>A on the coding strand, the complement: COL11A1 is on the minus strand). VCF-style: chr1-102997106-C-T. GRCh37 (hg19) VCF-style: chr1-103462662-C-T.
Other names: c.2098G>A, p.Gly700Ser (NM_001190709.2); c.2251G>A, p.Gly751Ser (NM_080629.3); c.1867G>A, p.Gly623Ser (NM_080630.4); short protein forms G739S, G751S, G623S, G700S.
Identifiers: ClinVar variation 1447342 (VCV001447342.7), dbSNP rs764676570, ClinGen allele CA974540.

ClinVar aggregate classification (germline): Uncertain significance. Review status: criteria provided, multiple submitters, no conflicts (2 of 4 stars). 2 submissions from 2 submitters: Uncertain significance (2). Last evaluated 2024-01-10.

Allele frequency attached by ClinVar (database versions not stated): gnomAD exomes below 0.00001; TOPMed below 0.00001; ExAC 0.00001.
gnomAD v4.1: 1 of 1,611,946 alleles (0.000062%); highest among the groups gnomAD compares: Non-Finnish European, 0.000085%; no homozygotes.

Submissions (2):

Blueprint Genetics
Classification: Uncertain significance. Last evaluated: 2024-01-10. Review status: criteria provided, single submitter. Criteria: ACMG Guidelines, 2015. Collection method: clinical testing. Allele origin: germline.

Labcorp Genetics (formerly Invitae), Labcorp
Classification: Uncertain significance. Last evaluated: 2022-11-29. Review status: criteria provided, single submitter. Criteria: Invitae Variant Classification Sherloc (09022015). Collection method: clinical testing. Allele origin: germline.
Comment: In summary, the available evidence is currently insufficient to determine the role of this variant in disease. Therefore, it has been classified as a Variant of Uncertain Significance. Advanced modeling of protein sequence and biophysical properties (such as structural, functional, and spatial information, amino acid conservation, physicochemical variation, residue mobility, and thermodynamic stability) has been performed at Invitae for this missense variant, however the output from this modeling did not meet the statistical confidence thresholds required to predict the impact of this variant on COL11A1 protein function. ClinVar contains an entry for this variant (Variation ID: 1447342). This variant has not been reported in the literature in individuals affected with COL11A1-related conditions. This variant is present in population databases (rs764676570, gnomAD 0.0009%). This sequence change replaces glycine, which is neutral and non-polar, with serine, which is neutral and polar, at codon 739 of the COL11A1 protein (p.Gly739Ser).